The following is an entry in ClinVar:

ClinVar aggregate classification (germline): Uncertain significance. Review status: criteria provided, multiple submitters, no conflicts (2 of 4 stars). 2 submissions from 2 submitters: Uncertain significance (2). Last evaluated 2024-01-04.

Conditions:
ARID1B-Related Disorder. Identifiers: MedGen CN381337.

Allele frequency attached by ClinVar (database versions not stated): TOPMed below 0.00001; ExAC 0.00001; gnomAD 0.00002.
gnomAD v4.1: 6 of 1,614,030 alleles (0.00037%); highest among the groups gnomAD compares: African/African-American, 0.0027%; no homozygotes.

Submissions (2):

Labcorp Genetics (formerly Invitae), Labcorp
Classification: Uncertain significance. Last evaluated: 2024-01-04. Review status: criteria provided, single submitter. Criteria: Invitae Variant Classification Sherloc (09022015). Collection method: clinical testing. Allele origin: germline.
Comment: This sequence change replaces proline, which is neutral and non-polar, with leucine, which is neutral and non-polar, at codon 1164 of the ARID1B protein (p.Pro1164Leu). This variant is present in population databases (rs754303482, gnomAD 0.0009%). This variant has not been reported in the literature in individuals affected with ARID1B-related conditions. ClinVar contains an entry for this variant (Variation ID: 2636146). Advanced modeling of protein sequence and biophysical properties (such as structural, functional, and spatial information, amino acid conservation, physicochemical variation, residue mobility, and thermodynamic stability) has been performed at Invitae for this missense variant, however the output from this modeling did not meet the statistical confidence thresholds required to predict the impact of this variant on ARID1B protein function. In summary, the available evidence is currently insufficient to determine the role of this variant in disease. Therefore, it has been classified as a Variant of Uncertain Significance.

PreventionGenetics, part of Exact Sciences
Classification: Uncertain significance for ARID1B-related condition. Last evaluated: 2022-11-01. Review status: criteria provided, single submitter. Criteria: ACMG Guidelines, 2015. Collection method: clinical testing. Allele origin: germline.
Comment: The ARID1B c.3491C>T variant is predicted to result in the amino acid substitution p.Pro1164Leu. To our knowledge, this variant has not been reported in the literature or in a large population database, indicating this variant is rare. At this time, the clinical significance of this variant is uncertain due to the absence of conclusive functional and genetic evidence.

NM_001374828.1(ARID1B):c.3860C>T (p.Pro1287Leu)

Gene: ARID1B (AT-rich interaction domain 1B; plus strand). Cytogenetic location: 6q25.3.
Variant type: single nucleotide variant.
Coding change: c.3860C>T on transcript NM_001374828.1 (MANE Select); coding-DNA position 3860, C replaced by T.
Protein change: p.Pro1287Leu; replaces proline 1287 with leucine.
Molecular consequence: missense variant.
Genome position (GRCh38, 1-based): chr6:157,184,376, C>T. VCF-style: chr6-157184376-C-T. GRCh37 (hg19) VCF-style: chr6-157505510-C-T.
Other names: c.3611C>T, p.Pro1204Leu (NM_001346813.1); c.1361C>T, p.Pro454Leu (NM_001363725.2); c.3740C>T, p.Pro1247Leu (NM_001371656.1, NM_001374820.1); c.3701C>T, p.Pro1234Leu (NM_017519.3); c.3491C>T, p.Pro1164Leu (NM_020732.3); c.3278C>T, p.Pro1093Leu (NM_175863.2); short protein forms P1093L, P1164L, P1204L, P1234L, P1247L, P1287L, P454L.
Identifiers: ClinVar variation 2636146 (VCV002636146.4), dbSNP rs754303482, ClinGen allele CA4067416.